The following is an entry in ClinVar:

NM_017654.4(SAMD9):c.3763C>T (p.Pro1255Ser)

Gene: SAMD9 (sterile alpha motif domain containing 9; minus strand). Cytogenetic location: 7q21.2.
Variant type: single nucleotide variant.
Coding change: c.3763C>T on transcript NM_017654.4 (MANE Select); coding-DNA position 3763, C replaced by T.
Protein change: p.Pro1255Ser; replaces proline 1255 with serine.
Molecular consequence: missense variant.
Genome position (GRCh38, 1-based): chr7:93,102,335, G>A on the plus strand (C>T on the coding strand, the complement: SAMD9 is on the minus strand). VCF-style: chr7-93102335-G-A. GRCh37 (hg19) VCF-style: chr7-92731648-G-A.
Other names: c.3763C>T, p.Pro1255Ser (NM_001193307.2); short protein forms P1255S.
Identifiers: ClinVar variation 3949575 (VCV003949575.1).

ClinVar aggregate classification (germline): Uncertain significance (1 of 4 stars; one submission).

Conditions:
Inborn genetic diseases. Identifiers: MedGen C0950123, MeSH D030342.

Submission:

Ambry Genetics
Classification: Uncertain significance for Inborn genetic diseases. Last evaluated: 2025-04-20. Review status: criteria provided, single submitter. Criteria: Ambry Variant Classification Scheme 2023. Collection method: clinical testing. Allele origin: germline.
Comment: The p.P1255S variant (also known as c.3763C>T), located in coding exon 1 of the SAMD9 gene, results from a C to T substitution at nucleotide position 3763. The proline at codon 1255 is replaced by serine, an amino acid with similar properties. This amino acid position is conserved. In addition, this alteration is predicted to be tolerated by in silico analysis. Based on the available evidence, the clinical significance of this variant remains unclear.